The following is an entry in ClinVar:

NM_000016.6(ACADM):c.845dup (p.Val283fs)

Gene: ACADM (acyl-CoA dehydrogenase medium chain; plus strand). Cytogenetic location: 1p31.1.
Variant type: Duplication.
Coding change: c.845dup on transcript NM_000016.6 (MANE Select); coding-DNA position 845, one base duplicated (C; older notation c.845dupC).
Protein change: p.Val283fs; shifts the reading frame from valine 283.
Molecular consequence: frameshift variant.
Genome position (GRCh38, 1-based): chr1:75,749,555, C duplicated; the last of 2 consecutive C bases (chr1:75,749,554-75,749,555); duplicating either gives the same sequence. VCF-style (leftmost placement, unchanged base first): chr1-75749553-A-AC. GRCh37 (hg19) VCF-style: chr1-76215238-A-AC.
Other names: c.845dupC (NM_000016.5); c.857dup, p.Val287fs (NM_001127328.3); c.737dup, p.Val247fs (NM_001286042.2); c.944dup, p.Val316fs (NM_001286043.2); c.278dup, p.Val94fs (NM_001286044.2); short protein forms V247fs, V283fs, V287fs, V316fs, V94fs.
Identifiers: ClinVar variation 4816427 (VCV004816427.2).

ClinVar aggregate classification (germline): Pathogenic/Likely pathogenic. Review status: criteria provided, multiple submitters, no conflicts (2 of 4 stars). 2 submissions from 2 submitters: Pathogenic (1); Likely pathogenic (1). Last evaluated 2026-02-17.

Conditions:
Medium-chain acyl-coenzyme A dehydrogenase deficiency (ACADMD). Also called: ACADM DEFICIENCY; CARNITINE DEFICIENCY SECONDARY TO MEDIUM-CHAIN ACYL-CoA DEHYDROGENASE DEFICIENCY; MCADH DEFICIENCY; MCADD; Medium chain acyl-CoA dehydrogenase deficiency; MCAD Deficiency. Identifiers: Orphanet 42, MedGen C0220710, MONDO:0008721, OMIM 201450.

Submissions (2):

Myriad Genetics, Inc.
Classification: Pathogenic for Medium-chain acyl-coenzyme A dehydrogenase deficiency. Last evaluated: 2026-02-17. Review status: criteria provided, single submitter. Criteria: Myriad Autosomal Dominant, Autosomal Recessive and X-Linked Classification Criteria (2023). Collection method: clinical testing. Allele origin: unknown.
Comment: NM_000016.4(ACADM):c.845dupC(V283Cfs*16) is expected to be pathogenic in the context of medium-chain acyl-CoA dehydrogenase deficiency. This variant is predicted to lead to an abnormal or absent protein product due to the creation of a premature termination codon in ACADM, a gene where loss-of-function variants are known to be pathogenic. Please note: this variant was assessed in the context of healthy population screening.

Natera, Inc.
Classification: Likely pathogenic for Medium Chain Acyl-CoA Dehydrogenase Deficiency. Last evaluated: 2024-07-10. Review status: criteria provided, single submitter. Criteria: Natera Variant Classification Schema (03/2026). Collection method: clinical testing. Allele origin: germline.
Comment: The c.845dupC variant in ACADM is a frameshift variant predicted to shift the reading frame beginning at codon 283 and leads to a stop codon 16 codons downstream. This variant is expected to result in nonsense mediated decay, truncation, or a dysfunctional protein product. This variant is rare in the general population with a frequency below the threshold expected for the associated phenotype(s). Given the available evidence, this variant is classified as Likely Pathogenic.